The following is an entry in ClinVar:

ClinVar aggregate classification (germline): Uncertain significance (1 of 4 stars; one submission).

Conditions:
Cortical dysplasia, complex, with other brain malformations 13. Also called: Intellectual disability, autosomal dominant 13. Identifiers: MedGen C3281202, MONDO:0013805, OMIM 614563.
Autosomal dominant childhood-onset proximal spinal muscular atrophy without contractures. Also called: SPINAL MUSCULAR ATROPHY, CHILDHOOD, PROXIMAL, AUTOSOMAL DOMINANT; SPINAL MUSCULAR ATROPHY, JUVENILE, PROXIMAL, AUTOSOMAL DOMINANT; KUGELBERG-WELANDER SYNDROME, AUTOSOMAL DOMINANT; Spinal muscular atrophy, lower extremity-predominant 1, AD. Identifiers: Orphanet 209341, Orphanet 363447, MedGen C5780022, MONDO:0008026, OMIM 158600.
Charcot-Marie-Tooth disease axonal type 2O. Also called: CHARCOT-MARIE-TOOTH NEUROPATHY, AXONAL, TYPE 2O; CHARCOT-MARIE-TOOTH DISEASE, AXONAL, AUTOSOMAL DOMINANT, TYPE 2O; Charcot-Marie-Tooth Neuropathy Type 2O; Charcot-Marie-Tooth disease, axonal, type 20. Identifiers: Orphanet 284232, MedGen C3280220, MONDO:0013644, OMIM 614228.

Submission:

Juno Genomics, Hangzhou Juno Genomics, Inc
Classification: Uncertain significance for Cortical dysplasia, complex, with other brain malformations 13; Charcot-Marie-Tooth disease axonal type 2O; Autosomal dominant childhood-onset proximal spinal muscular atrophy without contractures. Review status: criteria provided, single submitter. Criteria: ACMG Guidelines, 2015. Collection method: clinical testing. Allele origin: germline.
Comment: Missense variant in a gene that has a low rate of benign missense variation.;Multiple lines of computational evidence support a deleterious effect on the gene or gene product.;Absent from controls (or at extremely low frequency if recessive) in Genome Aggregation Database.

NM_001376.5(DYNC1H1):c.6983C>G (p.Pro2328Arg)

Gene: DYNC1H1 (dynein cytoplasmic 1 heavy chain 1; plus strand). Cytogenetic location: 14q32.31.
Variant type: single nucleotide variant.
Coding change: c.6983C>G on transcript NM_001376.5 (MANE Select); coding-DNA position 6983, C replaced by G.
Protein change: p.Pro2328Arg; replaces proline 2328 with arginine.
Molecular consequence: missense variant.
Genome position (GRCh38, 1-based): chr14:102,012,439, C>G. VCF-style: chr14-102012439-C-G. GRCh37 (hg19) VCF-style: chr14-102478776-C-G.
Other names: short protein forms P2328R.
Identifiers: ClinVar variation 5005279 (VCV005005279.2).
Genomic context (GRCh38, chr14:102,012,439, plus strand): 5'-ATCCAGAGTGGGTTGAGAACTTGAACTCAGTGCTGGATGACAATAAGCTCCTAACTTTGC[C>G]CAATGGAGAGCGCCTCAGTCTTCCACCCAATGTAAGTAGCCTTTTGTATGTCGTCAACTG-3'
Protein context (NP_001367.2, residues 2318-2338): VLDDNKLLTL[Pro2328Arg]NGERLSLPPN